The following is an entry in ClinVar:

ClinVar aggregate classification (germline): Uncertain significance (1 of 4 stars; one submission).

Allele frequency attached by ClinVar (database versions not stated): gnomAD 0.00003.
gnomAD v4.1: 63 of 1,614,048 alleles (0.0039%); highest among the groups gnomAD compares: Non-Finnish European, 0.0051%; no homozygotes.

Submission:

Labcorp Genetics (formerly Invitae), Labcorp
Classification: Uncertain significance. Last evaluated: 2025-10-29. Review status: criteria provided, single submitter. Criteria: Invitae Variant Classification Sherloc (09022015). Collection method: clinical testing. Allele origin: germline.
Comment: This sequence change replaces histidine, which is basic and polar, with glutamine, which is neutral and polar, at codon 528 of the FAT4 protein (p.His528Gln). This variant is present in population databases (rs777422356, gnomAD 0.006%). This variant has not been reported in the literature in individuals affected with FAT4-related conditions. ClinVar contains an entry for this variant (Variation ID: 2076688). Invitae Evidence Modeling of protein sequence and biophysical properties (such as structural, functional, and spatial information, amino acid conservation, physicochemical variation, residue mobility, and thermodynamic stability) indicates that this missense variant is not expected to disrupt FAT4 protein function with a negative predictive value of 80%. In summary, the available evidence is currently insufficient to determine the role of this variant in disease. Therefore, it has been classified as a Variant of Uncertain Significance.

NM_001291303.3(FAT4):c.1584T>A (p.His528Gln)

Gene: FAT4 (FAT atypical cadherin 4; plus strand). Cytogenetic location: 4q28.1.
Variant type: single nucleotide variant.
Coding change: c.1584T>A on transcript NM_001291303.3 (MANE Select); coding-DNA position 1584, T replaced by A.
Protein change: p.His528Gln; replaces histidine 528 with glutamine.
Molecular consequence: missense variant.
Genome position (GRCh38, 1-based): chr4:125,317,995, T>A. VCF-style: chr4-125317995-T-A. GRCh37 (hg19) VCF-style: chr4-126239150-T-A.
Other names: c.1584T>A, p.His528Gln (NM_001291285.3, NM_024582.6); short protein forms H528Q.
Identifiers: ClinVar variation 2076688 (VCV002076688.2), dbSNP rs777422356, ClinGen allele CA3072012.